The following is an entry in ClinVar:

NC_000001.10:g.(?_215940003)_(216108157_?)del

Gene: USH2A (usherin; minus strand). Cytogenetic location: 1q41.
Variant type: Deletion.
Identifiers: ClinVar variation 1076631 (VCV001076631.1).

ClinVar aggregate classification (germline): Pathogenic (1 of 4 stars; one submission).

Submission:

Labcorp Genetics (formerly Invitae), Labcorp
Classification: Pathogenic. Last evaluated: 2020-10-20. Review status: criteria provided, single submitter. Criteria: Invitae Variant Classification Sherloc (09022015). Collection method: clinical testing. Allele origin: germline.
Comment: This variant is an in-frame deletion of the genomic region encompassing exon(s) 38-56 of the USH2A gene. It preserves the integrity of the reading frame. A similar deletion has been observed in an individual affected with Usher syndrome (PMID: 26927203). The region of the USH2A gene that includes exon(s) 50-55 has been determined to be clinically significant (PMID: 22135276, 30190494, Invitae). Therefore, deletions that encompass that region are likely to disrupt protein function and cause disease. For these reasons, this variant has been classified as Pathogenic.

Literature cited by the submitters: PubMed 26927203; PubMed 22135276; PubMed 30190494.